The following is an entry in ClinVar:

NC_000017.10:g.(?_41239343)_(41245904_?)del

Gene: BRCA1 (BRCA1 DNA repair associated; minus strand). Cytogenetic location: 17q21.31.
Variant type: Deletion.
Identifiers: ClinVar variation 1460451 (VCV001460451.7).

ClinVar aggregate classification (germline): Pathogenic (1 of 4 stars; one submission).

Conditions:
Hereditary breast ovarian cancer syndrome. Also called: Hereditary breast and ovarian cancer; Breast and ovarian cancer; BRCA1- and BRCA2-Associated Hereditary Breast and Ovarian Cancer; Hereditary breast and/or ovarian cancer syndrome; Hereditary breast and ovarian cancer syndrome; Hereditary breast and ovarian cancer syndrome (HBOC). Identifiers: Orphanet 145, MedGen C0677776, MeSH D061325, MONDO:0003582. Disease mechanism: loss of function.

Submission:

Labcorp Genetics (formerly Invitae), Labcorp
Classification: Pathogenic for Hereditary breast ovarian cancer syndrome. Last evaluated: 2021-09-13. Review status: criteria provided, single submitter. Criteria: Invitae Variant Classification Sherloc (09022015). Collection method: clinical testing. Allele origin: germline.
Comment: For these reasons, this variant has been classified as Pathogenic. This variant has been observed in individual(s) with breast cancer (PMID: 18703817). This variant results in the deletion of part of exon 10 and all of exon 11 (c.1644_4185+3618del) of the BRCA1 gene. It is expected to disrupt RNA splicing. Variants that disrupt the donor or acceptor splice site typically lead to a loss of protein function (PMID: 16199547), and loss-of-function variants in BRCA1 are known to be pathogenic (PMID: 20104584).

Literature cited by the submitters: PubMed 18703817; PubMed 16199547; PubMed 20104584.